The following is an entry in ClinVar:

ClinVar aggregate classification (germline): Uncertain significance. Review status: criteria provided, multiple submitters, no conflicts (2 of 4 stars). 4 submissions from 4 submitters: Uncertain significance (4). Last evaluated 2026-08-20.

Conditions:
Polycystic liver disease 1 (PCLD1). Also called: Polycystic liver disease 1 with or without kidney cysts. Identifiers: Orphanet 2924, MedGen C0887850, MONDO:0008265, OMIM 174050.
Osteoporosis with pseudoglioma (OPPG). Also called: osteoporosis-pseudoglioma syndrome. Identifiers: Orphanet 2788, MedGen C0432252, MONDO:0009820, OMIM 259770.
Exudative vitreoretinopathy 4 (EVR4). Identifiers: Orphanet 891, MedGen C1866176, MONDO:0011151, OMIM 601813.
Autosomal dominant osteopetrosis 1 (OPTA1). Also called: OSTEOPETROSIS, AUTOSOMAL DOMINANT, TYPE I. Identifiers: Orphanet 2783, MedGen C1843330, MONDO:0011877, OMIM 607634.
LRP5-related disorder. Also called: LRP5-related condition.
Polycystic liver disease 4 with or without kidney cysts. Identifiers: MedGen C4693479, MONDO:0044327, OMIM 617875.
Worth disease. Also called: ENDOSTEAL HYPEROSTOSIS, AUTOSOMAL DOMINANT; OSTEOSCLEROSIS, AUTOSOMAL DOMINANT; Autosomal dominant osteosclerosis, Worth type. Identifiers: Orphanet 2790, MedGen C0432273, MONDO:0007764, OMIM 144750.
Bone mineral density quantitative trait locus 1 (BMND1). Identifiers: MedGen C1866079, OMIM 601884.

Allele frequency attached by ClinVar (database versions not stated): gnomAD 0.00001; gnomAD exomes 0.00002; ExAC 0.00003; TOPMed 0.00003; ESP Exome Variant Server 0.00008.
gnomAD v4.1: 34 of 1,613,288 alleles (0.0021%); highest among the groups gnomAD compares: Admixed American, 0.0033%; no homozygotes.

Submissions (4):

PreventionGenetics, part of Exact Sciences
Classification: Uncertain significance for LRP5-related condition. Last evaluated: 2026-08-20. Review status: criteria provided, single submitter. Criteria: ACMG Guidelines, 2015. Collection method: clinical testing. Allele origin: germline.
Comment: The LRP5 c.3836G>A variant is predicted to result in the amino acid substitution p.Arg1279His. This variant was reported in an individual with exudative vitreoretinopathy (Table S1, Yaylacioglu Tuncay et al. 2025. PubMed ID: 39903177). This variant is reported in 0.0036% of alleles in individuals of European (Non-Finnish) descent in gnomAD. At this time, the clinical significance of this variant is uncertain due to the absence of conclusive functional and genetic evidence.

Labcorp Genetics (formerly Invitae), Labcorp
Classification: Uncertain significance. Last evaluated: 2025-07-08. Review status: criteria provided, single submitter. Criteria: Invitae Variant Classification Sherloc (09022015). Collection method: clinical testing. Allele origin: germline.
Comment: This sequence change replaces arginine, which is basic and polar, with histidine, which is basic and polar, at codon 1279 of the LRP5 protein (p.Arg1279His). This variant is present in population databases (rs145293239, gnomAD 0.004%). This missense change has been observed in individual(s) with familial exudative vitreoretinopathy (internal data). ClinVar contains an entry for this variant (Variation ID: 864725). Invitae Evidence Modeling of protein sequence and biophysical properties (such as structural, functional, and spatial information, amino acid conservation, physicochemical variation, residue mobility, and thermodynamic stability) indicates that this missense variant is not expected to disrupt LRP5 protein function with a negative predictive value of 95%. In summary, the available evidence is currently insufficient to determine the role of this variant in disease. Therefore, it has been classified as a Variant of Uncertain Significance.

Blueprint Genetics
Classification: Uncertain significance. Last evaluated: 2024-04-23. Review status: criteria provided, single submitter. Criteria: ACMG Guidelines, 2015. Collection method: clinical testing. Allele origin: germline.

Fulgent Genetics
Classification: Uncertain significance for Worth disease; Osteoporosis with pseudoglioma; Exudative vitreoretinopathy 4; Bone mineral density quantitative trait locus 1; Autosomal dominant osteopetrosis 1; Polycystic liver disease 4 with or without kidney cysts. Last evaluated: 2024-04-11. Review status: criteria provided, single submitter. Criteria: ACMG Guidelines, 2015. Collection method: clinical testing. Allele origin: germline.

NM_002335.4(LRP5):c.3836G>A (p.Arg1279His)

Gene: LRP5 (LDL receptor related protein 5; plus strand). Cytogenetic location: 11q13.2.
Variant type: single nucleotide variant.
Coding change: c.3836G>A on transcript NM_002335.4 (MANE Select); coding-DNA position 3836, G replaced by A.
Protein change: p.Arg1279His; replaces arginine 1279 with histidine.
Molecular consequence: missense variant.
Genome position (GRCh38, 1-based): chr11:68,433,674, G>A. VCF-style: chr11-68433674-G-A. GRCh37 (hg19) VCF-style: chr11-68201142-G-A.
Other names: c.2093G>A, p.Arg698His (NM_001291902.2); short protein forms R1279H, R698H.
Identifiers: ClinVar variation 864725 (VCV000864725.13), dbSNP rs145293239, ClinGen allele CA6150125.
Genomic context (GRCh38, chr11:68,433,674, plus strand): 5'-GCTCCCCGGACCAGTTTGCATGTGCCACAGGGGAGATCGACTGTATCCCCGGGGCCTGGC[G>A]CTGTGACGGCTTTCCCGAGTGCGATGACCAGAGCGACGAGGAGGGCTGCCCCGTGTGCTC-3'
Protein context (NP_002326.2, residues 1269-1289): GEIDCIPGAW[Arg1279His]CDGFPECDDQ